The following is an entry in ClinVar:

NM_201596.3(CACNB2):c.334-8C>T

Gene: CACNB2 (calcium voltage-gated channel auxiliary subunit beta 2; plus strand). Cytogenetic location: 10p12.31.
Variant type: single nucleotide variant.
Coding change: c.334-8C>T on transcript NM_201596.3 (MANE Select); 8 bases into the intron before coding-DNA position 334, C replaced by T.
Molecular consequence: intron variant.
Genome position (GRCh38, 1-based): chr10:18,498,347, C>T. VCF-style: chr10-18498347-C-T. GRCh37 (hg19) VCF-style: chr10-18787276-C-T.
Other names: c.250-8C>T (NM_201571.4, NM_001167945.2, NM_201572.4); c.334-8C>T (NM_201593.3, NM_201597.3); c.169-8C>T (NM_000724.4, NM_001330060.2); c.172-8C>T (NM_201590.3, NM_201590.2); c.190-8C>T (NM_201570.3).
Identifiers: ClinVar variation 222521 (VCV000222521.17), dbSNP rs374465425, ClinGen allele CA069034.

ClinVar aggregate classification (germline): Conflicting classifications of pathogenicity. Review status: criteria provided, conflicting classifications (1 of 4 stars). 7 submissions from 7 submitters: Uncertain significance (1); Benign (1); Likely benign (3). 2 of the submissions do not count toward it. Last evaluated 2025-06-20.

Conditions:
CACNB2-related disorder. Also called: CACNB2-related condition.
Brugada syndrome 4 (BRGDA4). Identifiers: Orphanet 130, MedGen C2678477, MONDO:0012743, OMIM 611876.

Allele frequency attached by ClinVar (database versions not stated): ExAC 0.00005; gnomAD 0.00006; gnomAD exomes 0.00006; TOPMed 0.00007; ESP Exome Variant Server 0.00008.
gnomAD v4.1: 88 of 1,613,930 alleles (0.0055%); highest among the groups gnomAD compares: Non-Finnish European, 0.0075%; no homozygotes.

Submissions (7):

PreventionGenetics, part of Exact Sciences
Classification: Likely benign for CACNB2-related condition. Last evaluated: 2025-06-20. Review status: criteria provided, single submitter. Criteria: ACMG Guidelines, 2015. Collection method: clinical testing. Allele origin: germline.
Comment: This variant is classified as likely benign based on ACMG/AMP sequence variant interpretation guidelines (Richards et al. 2015 PMID: 25741868, with internal and published modifications).

Labcorp Genetics (formerly Invitae), Labcorp
Classification: Likely benign for Brugada syndrome 4. Last evaluated: 2025-03-12. Review status: criteria provided, single submitter. Criteria: Invitae Variant Classification Sherloc (09022015). Collection method: clinical testing. Allele origin: germline.

Laboratory of Genetics, Children's Clinical University Hospital Latvia
Classification: Benign. Last evaluated: 2025-02-16. Review status: criteria provided, single submitter. Criteria: ACMG Guidelines, 2015. Collection method: clinical testing. Allele origin: germline. Affected: yes.

Blueprint Genetics
Classification: Uncertain significance. Last evaluated: 2021-08-19. Review status: criteria provided, single submitter. Criteria: ACMG Guidelines, 2015. Collection method: clinical testing. Allele origin: germline.

Genome Diagnostics Laboratory, University Medical Center Utrecht
Classification: Likely benign for Brugada syndrome 4. Last evaluated: 2017-07-28. Review status: criteria provided, single submitter. Criteria: ACGS Guidelines, 2013. Collection method: clinical testing. Allele origin: germline. Affected: yes. Study: VKGL Data-share Consensus.

Clinical Genetics, Academic Medical Center
Classification: Benign. Review status: no assertion criteria provided. Collection method: clinical testing. Allele origin: germline. Affected: yes. Study: VKGL Data-share Consensus. Not counted in ClinVar's aggregate classification.

Joint Genome Diagnostic Labs from Nijmegen and Maastricht, Radboudumc and MUMC+
Classification: Likely benign. Review status: no assertion criteria provided. Collection method: clinical testing. Allele origin: germline. Affected: yes. Study: VKGL Data-share Consensus. Not counted in ClinVar's aggregate classification.